The following is an entry in ClinVar:

NM_001844.5(COL2A1):c.2939G>A (p.Arg980Lys)

Gene: COL2A1 (collagen type II alpha 1 chain; minus strand). Cytogenetic location: 12q13.11.
Variant type: single nucleotide variant.
Coding change: c.2939G>A on transcript NM_001844.5 (MANE Select); coding-DNA position 2939, G replaced by A.
Protein change: p.Arg980Lys; replaces arginine 980 with lysine.
Molecular consequence: missense variant.
Genome position (GRCh38, 1-based): chr12:47,978,355, C>T on the plus strand (G>A on the coding strand, the complement: COL2A1 is on the minus strand). VCF-style: chr12-47978355-C-T. GRCh37 (hg19) VCF-style: chr12-48372138-C-T.
Other names: c.2732G>A, p.Arg911Lys (NM_033150.3); short protein forms R911K, R980K.
Identifiers: ClinVar variation 1809948 (VCV001809948.1), dbSNP rs1457365714, ClinGen allele CA384541387.

ClinVar aggregate classification (germline): Uncertain significance (1 of 4 stars; one submission).

Submission:

GeneDx
Classification: Uncertain significance. Last evaluated: 2022-06-30. Review status: criteria provided, single submitter. Criteria: GeneDx Variant Classification Process June 2021. Collection method: clinical testing. Allele origin: germline. Affected: yes.
Comment: Not observed at significant frequency in large population cohorts (gnomAD); In silico analysis supports that this missense variant does not alter protein structure/function; Has not been previously published as pathogenic or benign to our knowledge; Occurs in the triple helical domain at the Y position in the canonical Gly-X-Y repeat; although this variant may have an effect on normal protein folding and function, missense substitution at the Y position is not a common mechanism of disease (HGMD)